The following is an entry in ClinVar:

NC_000006.11:g.(?_5404755)_(5613573_?)dup

Gene: FARS2 (phenylalanyl-tRNA synthetase 2, mitochondrial; plus strand). Cytogenetic location: 6p25.1.
Variant type: Duplication.
Identifiers: ClinVar variation 3246036 (VCV003246036.1).

ClinVar aggregate classification (germline): Likely pathogenic (1 of 4 stars; one submission).

Conditions:
Combined oxidative phosphorylation defect type 14. Also called: Combined oxidative phosphorylation deficiency 14. Identifiers: Orphanet 319519, MedGen C4755312, MONDO:0013986, OMIM 614946.

Submission:

Labcorp Genetics (formerly Invitae), Labcorp
Classification: Likely pathogenic for Combined oxidative phosphorylation defect type 14. Last evaluated: 2024-01-29. Review status: criteria provided, single submitter. Criteria: Invitae Variant Classification Sherloc (09022015). Collection method: clinical testing. Allele origin: unknown.
Comment: This variant results in a copy number gain of the genomic region encompassing exon(s) 3-6 of the FARS2 gene. While the exact position of this variant cannot be determined from the data, sub-genic copy number gains are generally in tandem (PMID: 25640679). This variant is predicted to be out-of-frame, and may result in an absent or disrupted protein product. Loss-of-function variants in FARS2 are known to be pathogenic (PMID: 22833457). This variant has not been reported in the literature in individuals affected with FARS2-related conditions. In summary, the currently available evidence indicates that the variant is pathogenic, but additional data are needed to prove that conclusively. Therefore, this variant has been classified as Likely Pathogenic.

Literature cited by the submitters: PubMed 25640679; PubMed 22833457.